The following is an entry in ClinVar:

NM_000038.6(APC):c.4007G>C (p.Arg1336Thr)

Gene: APC (APC regulator of Wnt signaling pathway; plus strand). Cytogenetic location: 5q22.2.
Variant type: single nucleotide variant.
Coding change: c.4007G>C on transcript NM_000038.6 (MANE Select); coding-DNA position 4007, G replaced by C.
Protein change: p.Arg1336Thr; replaces arginine 1336 with threonine.
Molecular consequence: missense variant.
Genome position (GRCh38, 1-based): chr5:112,839,601, G>C. VCF-style: chr5-112839601-G-C. GRCh37 (hg19) VCF-style: chr5-112175298-G-C.
Other names: c.4007G>C, p.Arg1336Thr (NM_001127510.3, NM_001354895.2, NM_001407450.1); c.3953G>C, p.Arg1318Thr (NM_001127511.3); c.4061G>C, p.Arg1354Thr (NM_001354896.2, NM_001407447.1, NM_001407448.1 and 1 more transcripts); c.4037G>C, p.Arg1346Thr (NM_001354897.2); c.3932G>C, p.Arg1311Thr (NM_001354898.2); c.3923G>C, p.Arg1308Thr (NM_001354899.2); c.3884G>C, p.Arg1295Thr (NM_001354900.2); c.3830G>C, p.Arg1277Thr (NM_001354901.2, NM_001407453.1); and 12 more; short protein forms R1053T, R1176T, R1207T, R1210T, R1235T, R1245T, R1253T, R1277T.
Identifiers: ClinVar variation 2418934 (VCV002418934.7), dbSNP rs2149903943, ClinGen allele CA16030119.
Genomic context (GRCh38, chr5:112,839,601, plus strand): 5'-CTGAAGATCCTGTGAGCGAAGTTCCAGCAGTGTCACAGCACCCTAGAACCAAATCCAGCA[G>C]ACTGCAGGGTTCTAGTTTATCTTCAGAATCAGCCAGGCACAAAGCTGTTGAATTTTCTTC-3'
Protein context (NP_000029.2, residues 1326-1346): VSQHPRTKSS[Arg1336Thr]LQGSSLSSES

ClinVar aggregate classification (germline): Uncertain significance. Review status: criteria provided, multiple submitters, no conflicts (2 of 4 stars). 2 submissions from 2 submitters: Uncertain significance (2). Last evaluated 2026-07-21.

Conditions:
Familial adenomatous polyposis 1 (FAP1). Also called: POLYPOSIS, ADENOMATOUS INTESTINAL; FAMILIAL ADENOMATOUS POLYPOSIS 1, ATTENUATED. Identifiers: MedGen C2713442, MONDO:0021056, OMIM 175100. Disease mechanism: loss of function.
Hereditary cancer-predisposing syndrome. Also called: Hereditary Cancer Syndrome; Hereditary neoplastic syndrome; Neoplastic Syndromes, Hereditary; Tumor predisposition. Identifiers: Orphanet 140162, MedGen C0027672, MeSH D009386, MONDO:0015356.

Allele frequency attached by ClinVar (database versions not stated): gnomAD exomes below 0.00001.
gnomAD v4.1: 1 of 1,614,168 alleles (0.000062%); highest among the groups gnomAD compares: Non-Finnish European, 0.000085%; no homozygotes.

Submissions (2):

Ambry Genetics
Classification: Uncertain significance for Hereditary cancer-predisposing syndrome. Last evaluated: 2026-07-21. Review status: criteria provided, single submitter. Criteria: Ambry Variant Classification Scheme 2023. Collection method: clinical testing. Allele origin: germline.
Comment: The p.R1336T variant (also known as c.4007G>C), located in coding exon 15 of the APC gene, results from a G to C substitution at nucleotide position 4007. The arginine at codon 1336 is replaced by threonine, an amino acid with similar properties. This variant was reported in individual(s) with polyposis (Li N et al. J Gastroenterol Hepatol, 2019 Sep;34:1497-1503). This amino acid position is well conserved in available vertebrate species. In addition, in silico predictors for this gene do not accurately predict pathogenicity. Missense variants in APC are not a common cause of disease (Spier I et al. Genet Med. 2024 Feb;26(2):100992). Based on the available evidence, the clinical significance of this variant remains unclear.

Labcorp Genetics (formerly Invitae), Labcorp
Classification: Uncertain significance for Familial adenomatous polyposis 1. Last evaluated: 2022-04-25. Review status: criteria provided, single submitter. Criteria: Invitae Variant Classification Sherloc (09022015). Collection method: clinical testing. Allele origin: germline.
Comment: This missense change has been observed in individual(s) with clinical features of familial adenomatous polyposis (PMID: 31062380). This variant is not present in population databases (gnomAD no frequency). This sequence change replaces arginine, which is basic and polar, with threonine, which is neutral and polar, at codon 1336 of the APC protein (p.Arg1336Thr). Algorithms developed to predict the effect of missense changes on protein structure and function are either unavailable or do not agree on the potential impact of this missense change (SIFT: "Tolerated"; PolyPhen-2: "Probably Damaging"; Align-GVGD: "Class C0"). In summary, the available evidence is currently insufficient to determine the role of this variant in disease. Therefore, it has been classified as a Variant of Uncertain Significance.

Literature cited by the submitters: PubMed 31062380 (cited by Ambry Genetics and Labcorp Genetics (formerly Invitae), Labcorp).